The following is an entry in ClinVar:

ClinVar aggregate classification (germline): Uncertain significance (1 of 4 stars; one submission).

Conditions:
CREBBP-related disorder. Also called: CREBBP-related condition; CREBBP-related disorders.

Submission:

PreventionGenetics, part of Exact Sciences
Classification: Uncertain significance for CREBBP-related condition. Last evaluated: 2025-08-19. Review status: criteria provided, single submitter. Criteria: ACMG Guidelines, 2015. Collection method: clinical testing. Allele origin: germline.
Comment: The CREBBP c.6745_6746insATC variant is predicted to result in an in-frame amino acid insertion (p.Gln2248_Arg2249insHis). To our knowledge, this variant has not been reported in the literature or in a large population database (gnomAD), indicating this variant is rare. At this time, the clinical significance of this variant is uncertain due to the absence of conclusive functional and genetic evidence.

NM_004380.3(CREBBP):c.6745_6746insATC (p.Gln2248_Arg2249insHis)

Gene: CREBBP (CREB binding lysine acetyltransferase; minus strand). Cytogenetic location: 16p13.3.
Variant type: Insertion.
Coding change: c.6745_6746insATC on transcript NM_004380.3 (MANE Select); coding-DNA positions 6745 to 6746, ATC inserted.
Protein change: p.Gln2248_Arg2249insHis.
Molecular consequence: inframe insertion.
Genome position: GRCh38 VCF-style: chr16-3728301-C-CGAT. GRCh37 (hg19) VCF-style: chr16-3778302-C-CGAT.
Other names: c.6631_6632insATC, p.Gln2210_Arg2211insHis (NM_001079846.1).
Identifiers: ClinVar variation 4991797 (VCV004991797.1).